The following is an entry in ClinVar:

ClinVar aggregate classification (germline): Conflicting classifications of pathogenicity. Review status: criteria provided, conflicting classifications (1 of 4 stars). 3 submissions from 2 submitters: Uncertain significance (1); Benign (2). Last evaluated 2025-10-20.

Conditions:
Freeman-Sheldon syndrome (DA2A). Also called: Arthrogryposis, distal, type 2A (Freeman-Sheldon); CRANIOCARPOTARSAL DYSPLASIA; CRANIOCARPOTARSAL DYSTROPHY; WHISTLING FACE-WINDMILL VANE HAND SYNDROME. Identifiers: Orphanet 2053, MedGen C0265224, MONDO:0008675, OMIM 193700.
Distal arthrogryposis type 2B1 (DA2B1). Also called: Arthrogryposis multiplex congenita distal type II with craniofacial abnormalities. Identifiers: Orphanet 1147, MedGen C5193014, MONDO:0020820, OMIM 601680.

Allele frequency attached by ClinVar (database versions not stated): ExAC 0.00011; gnomAD exomes 0.00014; ESP Exome Variant Server 0.00038; gnomAD 0.00044 and 0.00051; TOPMed 0.00055.
gnomAD v4.1: 176 of 1,613,296 alleles (0.011%); highest among the groups gnomAD compares: African/African-American, 0.15%; no homozygotes.

Submissions (3):

Labcorp Genetics (formerly Invitae), Labcorp
Classification: Benign. Last evaluated: 2025-10-20. Review status: criteria provided, single submitter. Criteria: Invitae Variant Classification Sherloc (09022015). Collection method: clinical testing. Allele origin: germline.

Illumina Laboratory Services, Illumina
Classification: Uncertain significance for Distal arthrogryposis type 2B1. Last evaluated: 2018-01-13. Review status: criteria provided, single submitter. Criteria: ICSL Variant Classification Criteria 13 December 2019. Collection method: clinical testing. Allele origin: germline.

Illumina Laboratory Services, Illumina
Classification: Benign for Freeman-Sheldon syndrome. Last evaluated: 2018-01-13. Review status: criteria provided, single submitter. Criteria: ICSL Variant Classification Criteria 13 December 2019. Collection method: clinical testing. Allele origin: germline.
Comment: This variant was observed in the ICSL laboratory as part of a predisposition screen in an ostensibly healthy population. It had not been previously curated by ICSL or reported in the Human Gene Mutation Database (HGMD: prior to June 1st, 2018), and was therefore a candidate for classification through an automated scoring system. Utilizing variant allele frequency, disease prevalence and penetrance estimates, and inheritance mode, an automated score was calculated to assess if this variant is too frequent to cause the disease. Based on the score and internal cut-off values, a variant classified as benign is not then subjected to further curation. The score for this variant resulted in a classification of benign for this disease.

NM_002470.4(MYH3):c.4635C>T (p.Leu1545=)

Gene: MYH3 (myosin heavy chain 3; minus strand). Cytogenetic location: 17p13.1.
Variant type: single nucleotide variant.
Coding change: c.4635C>T on transcript NM_002470.4 (MANE Select); coding-DNA position 4635, C replaced by T.
Protein change: p.Leu1545=; no amino-acid change (leucine 1545 retained).
Molecular consequence: synonymous variant.
Genome position (GRCh38, 1-based): chr17:10,633,603, G>A on the plus strand (C>T on the coding strand, the complement: MYH3 is on the minus strand). VCF-style: chr17-10633603-G-A. GRCh37 (hg19) VCF-style: chr17-10536920-G-A.
Identifiers: ClinVar variation 885069 (VCV000885069.8), dbSNP rs74406856, ClinGen allele CA8392173.